The following is an entry in ClinVar:

NM_002474.3(MYH11):c.5188G>T (p.Glu1730Ter)

Genes: MYH11 (myosin heavy chain 11; minus strand), NDE1 (nudE neurodevelopment protein 1; plus strand). Cytogenetic location: 16p13.11.
Variant type: single nucleotide variant.
Coding change: c.5188G>T on transcript NM_002474.3 (MANE Select); coding-DNA position 5188, G replaced by T.
Protein change: p.Glu1730Ter; replaces glutamic acid 1730 with a stop codon.
Molecular consequence: nonsense. On other transcripts: intron variant (2).
Genome position (GRCh38, 1-based): chr16:15,718,422, C>A on the plus strand (G>T on the coding strand, the complement: MYH11 is on the minus strand). VCF-style: chr16-15718422-C-A. GRCh37 (hg19) VCF-style: chr16-15812279-C-A.
Other names: c.5209G>T, p.Glu1737Ter (NM_001040113.2, NM_001040114.2); c.5188G>T, p.Glu1730Ter (NM_022844.3); c.948-5769C>A (NM_001143979.2, NM_017668.3); c.5188G>T (NM_002474.2); short protein forms E1730*, E1737*.
Identifiers: ClinVar variation 1685964 (VCV001685964.2), dbSNP rs766136761, ClinGen allele CA394850259.
Genomic context (GRCh38, chr16:15,718,422, plus strand): 5'-CCTGCTCCTCCTCCAGCTCCTCCTCCAGCTGGGCGATCCGGGCCTCCAGGCGGCGCTTCT[C>A]GTCCTGGAGTGCGTTCCTGGGGGAAGGGCGGCCATGGTGGGGGCCTCTACCCTCCCCCGC-3'

ClinVar aggregate classification (germline): Conflicting classifications of pathogenicity. Review status: criteria provided, conflicting classifications (1 of 4 stars). 2 submissions from 2 submitters: Pathogenic (1); Uncertain significance (1). Last evaluated 2026-01-15.

Conditions:
Familial thoracic aortic aneurysm and aortic dissection (TAAD). Also called: Thoracic aortic aneurysms and dissections. Identifiers: Orphanet 91387, MedGen C4707243, MONDO:0019625.
Aortic aneurysm, familial thoracic 4 (AAT4). Also called: AORTIC ANEURYSM/AORTIC DISSECTION AND PATENT DUCTUS ARTERIOSUS. Identifiers: MedGen C1851504, MONDO:0007568, OMIM 132900.

Submissions (2):

Ambry Genetics
Classification: Uncertain significance for Familial thoracic aortic aneurysm and aortic dissection. Last evaluated: 2026-01-15. Review status: criteria provided, single submitter. Criteria: Ambry Variant Classification Scheme 2023. Collection method: clinical testing. Allele origin: germline.
Comment: The p.E1730* variant (also known as c.5188G>T), located in coding exon 36 of the MYH11 gene, results from a G to T substitution at nucleotide position 5188. This changes the amino acid from a glutamic acid to a stop codon within coding exon 36. This alteration is expected to result in loss of function by premature protein truncation or nonsense-mediated mRNA decay. Although biallelic loss of function of MYH11 has been associated with autosomal recessive megacystis-microcolon-intestinal hypoperistalsis syndrome (MMIHS), haploinsufficiency of MYH11 has not been established as a mechanism of disease for autosomal dominant thoracic aortic aneurysm and dissection (TAAD). Based on the supporting evidence, this variant is expected to be causative of autosomal recessive MMIHS when present along with a second pathogenic variant on the other allele; however, its clinical significance for autosomal dominant TAAD is unclear.

Mendelics
Classification: Pathogenic for Aortic aneurysm, familial thoracic 4. Last evaluated: 2022-05-04. Review status: criteria provided, single submitter. Criteria: Mendelics Assertion Criteria 2019. Collection method: clinical testing. Allele origin: germline.